The following is an entry in ClinVar:

NM_020699.4(GATAD2B):c.729G>A (p.Gln243=)

Gene: GATAD2B (GATA zinc finger domain containing 2B; minus strand). Cytogenetic location: 1q21.3.
Variant type: single nucleotide variant.
Coding change: c.729G>A on transcript NM_020699.4 (MANE Select); coding-DNA position 729, G replaced by A.
Protein change: p.Gln243=; no amino-acid change (glutamine 243 retained).
Molecular consequence: synonymous variant.
Genome position (GRCh38, 1-based): chr1:153,818,040, C>T on the plus strand (G>A on the coding strand, the complement: GATAD2B is on the minus strand). VCF-style: chr1-153818040-C-T. GRCh37 (hg19) VCF-style: chr1-153790516-C-T.
Identifiers: ClinVar variation 1331505 (VCV001331505.7), dbSNP rs2101881311, ClinGen allele CA420834388.

ClinVar aggregate classification (germline): Uncertain significance. Review status: criteria provided, multiple submitters, no conflicts (2 of 4 stars). 3 submissions from 3 submitters: Uncertain significance (3). Last evaluated 2023-04-11.

Conditions:
Severe intellectual disability-poor language-strabismus-grimacing face-long fingers syndrome (GAND). Also called: GAND SYNDROME. Identifiers: Orphanet 363686, MedGen C3554448, MONDO:0014034, OMIM 615074.

Submissions (3):

Genome-Nilou Lab
Classification: Uncertain significance for Severe intellectual disability-poor language-strabismus-grimacing face-long fingers syndrome. Last evaluated: 2023-04-11. Review status: criteria provided, single submitter. Criteria: ACMG Guidelines, 2015. Collection method: clinical testing. Allele origin: germline. Affected: no.

GeneDx
Classification: Uncertain significance. Last evaluated: 2022-12-07. Review status: criteria provided, single submitter. Criteria: GeneDx Variant Classification Process June 2021. Collection method: clinical testing. Allele origin: germline. Affected: yes.
Comment: Last nucleotide of exon splice site variant in a gene for which loss of function is a known mechanism of disease, and both splice predictors and evolutionary conservation support a deleterious effect, although in the absence of functional evidence the actual effect of this sequence change is unknown; Not observed at significant frequency in large population cohorts (gnomAD); Has not been previously published as pathogenic or benign to our knowledge

Greenwood Genetic Center Diagnostic Laboratories, Greenwood Genetic Center
Classification: Uncertain significance. Last evaluated: 2020-11-04. Review status: criteria provided, single submitter. Criteria: ACMG Guidelines, 2015. Collection method: clinical testing. Allele origin: germline. Affected: yes.
Comment: PP3, PM2